The following is an entry in ClinVar:

NM_000380.4(XPA):c.331G>T (p.Glu111Ter)

Gene: XPA (XPA, DNA damage recognition and repair factor; minus strand). Cytogenetic location: 9q22.33.
Variant type: single nucleotide variant.
Coding change: c.331G>T on transcript NM_000380.4 (MANE Select); coding-DNA position 331, G replaced by T.
Protein change: p.Glu111Ter; replaces glutamic acid 111 with a stop codon.
Molecular consequence: nonsense. On other transcripts: non-coding transcript variant (2).
Genome position (GRCh38, 1-based): chr9:97,689,592, C>A on the plus strand (G>T on the coding strand, the complement: XPA is on the minus strand). VCF-style: chr9-97689592-C-A. GRCh37 (hg19) VCF-style: chr9-100451874-C-A.
Other names: c.205G>T, p.Glu69Ter (NM_001354975.2); short protein forms E111*, E69*.
Identifiers: ClinVar variation 557900 (VCV000557900.19), dbSNP rs769255883, ClinGen allele CA5148841.

ClinVar aggregate classification (germline): Pathogenic. Review status: criteria provided, multiple submitters, no conflicts (2 of 4 stars). 7 submissions from 7 submitters: Pathogenic (6). 1 of the submissions does not count toward it. Last evaluated 2023-07-27.

Conditions:
Xeroderma pigmentosum (XP). Identifiers: Orphanet 910, MedGen C0043346, MONDO:0019600.
Xeroderma pigmentosum group A (XPA). Also called: Xeroderma pigmentosum, complementation group A; XP, group A; XPA-Related Xeroderma Pigmentosum. Identifiers: Orphanet 910, MedGen C0268135, MONDO:0010210, OMIM 278700.

Allele frequency attached by ClinVar (database versions not stated): TOPMed 0.00001; gnomAD 0.00003.
gnomAD v4.1: 8 of 1,613,144 alleles (0.0005%); highest among the groups gnomAD compares: African/African-American, 0.008%; no homozygotes.

Submissions (7):

Labcorp Genetics (formerly Invitae), Labcorp
Classification: Pathogenic. Last evaluated: 2023-07-27. Review status: criteria provided, single submitter. Criteria: Invitae Variant Classification Sherloc (09022015). Collection method: clinical testing. Allele origin: germline.
Comment: This sequence change creates a premature translational stop signal (p.Glu111*) in the XPA gene. It is expected to result in an absent or disrupted protein product. Loss-of-function variants in XPA are known to be pathogenic (PMID: 27607234). This variant is present in population databases (rs769255883, gnomAD 0.02%). This premature translational stop signal has been observed in individuals with xeroderma pigmentosum (PMID: 22081045, 27607234). It has also been observed to segregate with disease in related individuals. ClinVar contains an entry for this variant (Variation ID: 557900). Algorithms developed to predict the effect of sequence changes on RNA splicing suggest that this variant may disrupt the consensus splice site. For these reasons, this variant has been classified as Pathogenic.

Baylor Genetics
Classification: Pathogenic for Xeroderma pigmentosum group A. Last evaluated: 2023-01-27. Review status: criteria provided, single submitter. Criteria: ACMG Guidelines, 2015. Collection method: clinical testing. Allele origin: unknown.

Women's Health and Genetics/Laboratory Corporation of America, LabCorp
Classification: Pathogenic for Xeroderma pigmentosum. Last evaluated: 2021-11-10. Review status: criteria provided, single submitter. Criteria: LabCorp Variant Classification Summary - May 2015. Collection method: clinical testing. Allele origin: germline.
Comment: Variant summary: XPA c.331G>T (p.Glu111X) results in a premature termination codon, predicted to cause a truncation of the encoded protein or absence of the protein due to nonsense mediated decay, which are commonly known mechanisms for disease. Truncations downstream of this position have been classified as pathogenic by our laboratory. The variant allele was found at a frequency of 1.2e-05 in 250654 control chromosomes (gnomAD). c.331G>T has been reported in the literature in multiple individuals affected with Xeroderma pigmentosum (Amr_2014, Messaoud_2012, Zhou_2017). These data indicate that the variant is very likely to be associated with disease. To our knowledge, no experimental evidence demonstrating an impact on protein function has been reported. Three ClinVar submitters (evaluation after 2014) cite the variant as pathogenic. Based on the evidence outlined above, the variant was classified as pathogenic.

Fulgent Genetics
Classification: Pathogenic for Xeroderma pigmentosum group A. Last evaluated: 2018-10-31. Review status: criteria provided, single submitter. Criteria: ACMG Guidelines, 2015. Collection method: clinical testing. Allele origin: unknown.

Juno Genomics, Hangzhou Juno Genomics, Inc
Classification: Pathogenic for Xeroderma pigmentosum group A. Review status: criteria provided, single submitter. Criteria: ACMG Guidelines, 2015. Collection method: clinical testing. Allele origin: germline.
Comment: Absent from controls (or at extremely low frequency if recessive) in Genome Aggregation Database.;Null variant in a gene where loss of function (LOF) is a known mechanism of disease.;For recessive disorders, detected in trans with a pathogenic variant.;Patient's phenotype or family history is highly specific for a disease with a single genetic etiology.

Kasturba Medical College, Manipal, Kasturba Medical College, Manipal, Manipal Academy of Higher Education, Manipal, India
Classification: Pathogenic for Xeroderma pigmentosum group A. Review status: criteria provided, single submitter. Criteria: ACMG Guidelines, 2015. Collection method: clinical testing. Allele origin: inherited. Inheritance: Autosomal recessive inheritance. Affected: yes.

Counsyl
Classification: Pathogenic for Xeroderma pigmentosum group A. Last evaluated: 2018-04-16. Review status: no assertion criteria provided. Collection method: clinical testing. Allele origin: unknown. Not counted in ClinVar's aggregate classification.

Literature cited by the submitters: PubMed 27607234 (cited by 3 submitters); PubMed 22081045 (cited by 3 submitters); PubMed 24135642 (cited by Women's Health and Genetics/Laboratory Corporation of America, LabCorp); PubMed 31478152 (cited by Women's Health and Genetics/Laboratory Corporation of America, LabCorp).